The following is an entry in ClinVar:

GRCh38/hg38 1q42.13-44(chr1:230106271-243677283)x1

Genes: GGPS1 (geranylgeranyl diphosphate synthase 1; plus strand), GNG4 (G protein subunit gamma 4; minus strand), KMO (kynurenine 3-monooxygenase; plus strand), GNPAT (glyceronephosphate O-acyltransferase; plus strand), GPR137B (G protein-coupled receptor 137B; plus strand) and 375 more. Cytogenetic location: 1q42.13-44.
Variant type: copy number loss.
Change: copy number 1 (one copy instead of two) of chr1:230,106,271-243,677,283 (13.57 Mb, GRCh38 coordinates, 1-based), cytogenetic band 1q42.13-44.
Identifiers: ClinVar variation 57387 (VCV000057387.1).

ClinVar aggregate classification (germline): Pathogenic (1 of 4 stars; one submission).

Submission:

ISCA site 4
Classification: Pathogenic. Last evaluated: 2011-08-12. Review status: criteria provided, single submitter. Criteria: Kaminsky et al. (Genet Med. 2011). Collection method: clinical testing. Allele origin: unknown. Affected: yes. Observed: 1 variant allele.
Comment: Copy number variation identified through the course of routine clinical cytogenomic testing in postnatal populations. Clinical assertions have been curated as described in Kaminsky et al. 2011.